The following is an entry in ClinVar:

ClinVar aggregate classification (germline): Uncertain significance (1 of 4 stars; one submission).

Submission:

Labcorp Genetics (formerly Invitae), Labcorp
Classification: Uncertain significance. Last evaluated: 2022-03-16. Review status: criteria provided, single submitter. Criteria: Invitae Variant Classification Sherloc (09022015). Collection method: clinical testing. Allele origin: germline.
Comment: In summary, the available evidence is currently insufficient to determine the role of this variant in disease. Therefore, it has been classified as a Variant of Uncertain Significance. Variants that disrupt the consensus splice site are a relatively common cause of aberrant splicing (PMID: 17576681, 9536098). Algorithms developed to predict the effect of sequence changes on RNA splicing suggest that this variant is not likely to affect RNA splicing. This variant has not been reported in the literature in individuals affected with GGCX-related conditions. This variant is not present in population databases (gnomAD no frequency). This sequence change falls in intron 5 of the GGCX gene. It does not directly change the encoded amino acid sequence of the GGCX protein. It affects a nucleotide within the consensus splice site.

Literature cited by the submitters: PubMed 17576681; PubMed 9536098.

NM_000821.7(GGCX):c.618+4C>T

Gene: GGCX (gamma-glutamyl carboxylase; minus strand). Cytogenetic location: 2p11.2.
Variant type: single nucleotide variant.
Coding change: c.618+4C>T on transcript NM_000821.7 (MANE Select); 4 bases into the intron after coding-DNA position 618, C replaced by T.
Molecular consequence: intron variant.
Genome position (GRCh38, 1-based): chr2:85,556,178, G>A on the plus strand (C>T on the coding strand, the complement: GGCX is on the minus strand). VCF-style: chr2-85556178-G-A. GRCh37 (hg19) VCF-style: chr2-85783301-G-A.
Other names: c.447+4C>T (NM_001142269.4).
Identifiers: ClinVar variation 1975081 (VCV001975081.5), dbSNP rs2466144815, ClinGen allele CA2580068235.